The following is an entry in ClinVar:

ClinVar aggregate classification (germline): Pathogenic (1 of 4 stars; one submission).

Conditions:
Okur-Chung neurodevelopmental syndrome (OCNDS). Identifiers: Orphanet 689422, MedGen C4310739, MONDO:0014893, OMIM 617062.

Submission:

Institute of Human Genetics, University of Leipzig Medical Center
Classification: Pathogenic for Okur-Chung neurodevelopmental syndrome. Last evaluated: 2026-02-24. Review status: criteria provided, single submitter. Criteria: ACMG Guidelines, 2015. Collection method: clinical testing. Allele origin: unknown. Inheritance: Autosomal dominant inheritance. Affected: yes.
Comment: Criteria applied: PVS1,PM2

NM_177559.3(CSNK2A1):c.829_847del (p.Ser277fs)

Gene: CSNK2A1 (casein kinase 2 alpha 1; minus strand). Cytogenetic location: 20p13.
Variant type: Deletion.
Coding change: c.829_847del on transcript NM_177559.3 (MANE Select); coding-DNA positions 829 to 847, 19 bases deleted (TCTCGAAAGCGATGGGAAC).
Protein change: p.Ser277fs; shifts the reading frame from serine 277.
Molecular consequence: frameshift variant.
Genome position (GRCh38, 1-based): chr20:487,553-487,571, GTTCCCATCGCTTTCGAGA deleted on the plus strand (TCTCGAAAGCGATGGGAAC on the coding strand, the reverse complement: CSNK2A1 is on the minus strand); deleting any 19 consecutive bases within chr20:487,553-487,573 gives the same sequence; the c. name uses the placement nearest the transcript's 3' end. VCF-style (leftmost placement, unchanged base first): chr20-487552-CGTTCCCATCGCTTTCGAGA-C. GRCh37 (hg19) VCF-style: chr20-468196-CGTTCCCATCGCTTTCGAGA-C.
Other names: c.829_847del, p.Ser277fs (NM_001362770.2, NM_001362771.2, NM_001895.4); c.421_439del, p.Ser141fs (NM_177560.3); short protein forms S141fs, S277fs.
Identifiers: ClinVar variation 4819102 (VCV004819102.1).